The following is an entry in ClinVar:

NM_004360.5(CDH1):c.1244T>C (p.Ile415Thr)

Gene: CDH1 (cadherin 1; plus strand). Cytogenetic location: 16q22.1.
Variant type: single nucleotide variant.
Coding change: c.1244T>C on transcript NM_004360.5 (MANE Select); coding-DNA position 1244, T replaced by C.
Protein change: p.Ile415Thr; replaces isoleucine 415 with threonine.
Molecular consequence: missense variant. On other transcripts: 5 prime UTR variant (2), intron variant (1).
Genome position (GRCh38, 1-based): chr16:68,813,419, T>C. VCF-style: chr16-68813419-T-C. GRCh37 (hg19) VCF-style: chr16-68847322-T-C.
Other names: c.-372T>C (NM_001317185.2); c.-576T>C (NM_001317186.2); c.1137+1156T>C (NM_001317184.2); c.1244T>C (LRG_301t1); short protein forms I415T.
Identifiers: ClinVar variation 142306 (VCV000142306.30), dbSNP rs587782372, ClinGen allele CA168013.

ClinVar aggregate classification (germline): Conflicting classifications of pathogenicity. Review status: criteria provided, conflicting classifications (1 of 4 stars). 7 submissions from 7 submitters: Uncertain significance (6); Likely benign (1). Last evaluated 2025-11-01.

Conditions:
Hereditary cancer-predisposing syndrome. Also called: Neoplastic Syndromes, Hereditary; Hereditary Cancer Syndrome; Tumor predisposition; Hereditary neoplastic syndrome. Identifiers: Orphanet 140162, MedGen C0027672, MeSH D009386, MONDO:0015356.
Hereditary diffuse gastric adenocarcinoma (HDGC). Also called: DIFFUSE GASTRIC AND LOBULAR BREAST CANCER SYNDROME. Identifiers: Orphanet 26106, MedGen C1708349, MONDO:0007648, OMIM 137215.
Familial cancer of breast. Also called: BREAST CANCER, FAMILIAL; Hereditary breast cancer; hereditary breast carcinoma. Identifiers: Orphanet 227535, MedGen C0346153, MONDO:0016419, OMIM 114480. Disease mechanism: loss of function.

Allele frequency attached by ClinVar (database versions not stated): gnomAD exomes below 0.00001; ExAC 0.00001; TOPMed 0.00001; gnomAD 0.00004 and 0.00003.
gnomAD v4.1: 7 of 1,614,018 alleles (0.00043%); highest among the groups gnomAD compares: African/African-American, 0.0067%; no homozygotes.

Submissions (7):

Labcorp Genetics (formerly Invitae), Labcorp
Classification: Uncertain significance for Hereditary diffuse gastric adenocarcinoma. Last evaluated: 2025-11-01. Review status: criteria provided, single submitter. Criteria: Invitae Variant Classification Sherloc (09022015). Collection method: clinical testing. Allele origin: germline.
Comment: This sequence change replaces isoleucine, which is neutral and non-polar, with threonine, which is neutral and polar, at codon 415 of the CDH1 protein (p.Ile415Thr). This variant is present in population databases (rs587782372, gnomAD 0.008%). This missense change has been observed in individual(s) with colorectal cancer (PMID: 28135145). ClinVar contains an entry for this variant (Variation ID: 142306). An algorithm developed to predict the effect of missense changes on protein structure and function (PolyPhen-2) suggests that this variant is likely to be disruptive. In summary, the available evidence is currently insufficient to determine the role of this variant in disease. Therefore, it has been classified as a Variant of Uncertain Significance.

Color Diagnostics, LLC DBA Color Health
Classification: Uncertain significance for Hereditary cancer-predisposing syndrome. Last evaluated: 2024-08-05. Review status: criteria provided, single submitter. Criteria: ACMG Guidelines, 2015. Collection method: clinical testing. Allele origin: germline.
Comment: This missense variant replaces isoleucine with threonine at codon 415 of the CDH1 protein. Computational prediction suggests that this variant may not impact protein structure and function (internally defined REVEL score threshold <= 0.5, PMID: 27666373). Splice site prediction tools suggest that this variant may not impact RNA splicing. To our knowledge, functional studies have not been performed for this variant. This variant has been reported in an individual affected with colorectal cancer (PMID: 28135145). This variant has been identified in 2/282890 chromosomes in the general population by the Genome Aggregation Database (gnomAD). The available evidence is insufficient to determine the role of this variant in disease conclusively. Therefore, this variant is classified as a Variant of Uncertain Significance.

Baylor Genetics
Classification: Uncertain significance for Familial cancer of breast. Last evaluated: 2024-02-24. Review status: criteria provided, single submitter. Criteria: ACMG Guidelines, 2015. Collection method: clinical testing. Allele origin: unknown.

GeneDx
Classification: Uncertain significance. Last evaluated: 2023-11-13. Review status: criteria provided, single submitter. Criteria: GeneDx Variant Classification Process June 2021. Collection method: clinical testing. Allele origin: germline.
Comment: Not observed at significant frequency in large population cohorts (gnomAD); In silico analysis supports that this missense variant has a deleterious effect on protein structure/function; Observed in at least one individual with a personal history of colon cancer (PMID: 28135145); This variant is associated with the following publications: (PMID: 26489445, 15235021, 22850631, 28135145)

Women's Health and Genetics/Laboratory Corporation of America, LabCorp
Classification: Uncertain significance. Last evaluated: 2023-05-01. Review status: criteria provided, single submitter. Criteria: LabCorp Variant Classification Summary - May 2015. Collection method: clinical testing. Allele origin: germline.
Comment: Variant summary: CDH1 c.1244T>C (p.Ile415Thr) results in a non-conservative amino acid change located in the third cadherin-like repeat domain (IPR002126) of the encoded protein sequence. Five of five in-silico tools predict a damaging effect of the variant on protein function. The variant allele was found at a frequency of 4e-06 in 251488 control chromosomes (gnomAD). The available data on variant occurrences in the general population are insufficient to allow any conclusion about variant significance. c.1244T>C has been reported in the literature in at-least one individual affected with colorectal cancer (Yurgelun_2017). This report does not provide unequivocal conclusions about association of the variant with Hereditary Diffuse Gastric Cancer. To our knowledge, no experimental evidence demonstrating an impact on protein function has been reported. The following publication have been ascertained in the context of this evaluation (PMID: 28135145). Five other clinical diagnostic laboratories have submitted clinical-significance assessments for this variant to ClinVar after 2014, and classified the variant as VUS (n=4), or likely benign (n=1). Based on the evidence outlined above, the variant was classified as uncertain significance.

Ambry Genetics
Classification: Likely benign for Hereditary cancer-predisposing syndrome. Last evaluated: 2022-06-23. Review status: criteria provided, single submitter. Criteria: Ambry Variant Classification Scheme 2023. Collection method: clinical testing. Allele origin: germline.

Quest Diagnostics Nichols Institute San Juan Capistrano
Classification: Uncertain significance. Last evaluated: 2018-06-08. Review status: criteria provided, single submitter. Criteria: Quest Diagnostics criteria. Collection method: clinical testing. Allele origin: germline.

Literature cited by the submitters: PubMed 28135145 (cited by 3 submitters).